The following is an entry in ClinVar:

NM_001204.7(BMPR2):c.1871C>T (p.Thr624Ile)

Gene: BMPR2 (bone morphogenetic protein receptor type 2; plus strand). Cytogenetic location: 2q33.2.
Variant type: single nucleotide variant.
Coding change: c.1871C>T on transcript NM_001204.7 (MANE Select); coding-DNA position 1871, C replaced by T.
Protein change: p.Thr624Ile; replaces threonine 624 with isoleucine.
Molecular consequence: missense variant.
Genome position (GRCh38, 1-based): chr2:202,555,536, C>T. VCF-style: chr2-202555536-C-T. GRCh37 (hg19) VCF-style: chr2-203420259-C-T.
Other names: short protein forms T624I.
Identifiers: ClinVar variation 3992077 (VCV003992077.1).

ClinVar aggregate classification (germline): Uncertain significance (1 of 4 stars; one submission).

Conditions:
Inborn genetic diseases. Identifiers: MedGen C0950123, MeSH D030342.

gnomAD v4.1: 4 of 1,614,200 alleles (0.00025%); highest among the groups gnomAD compares: African/African-American, 0.0053%; no homozygotes.

Submission:

Ambry Genetics
Classification: Uncertain significance for Inborn genetic diseases. Last evaluated: 2025-03-29. Review status: criteria provided, single submitter. Criteria: Ambry Variant Classification Scheme 2023. Collection method: clinical testing. Allele origin: germline.
Comment: The p.T624I variant (also known as c.1871C>T), located in coding exon 12 of the BMPR2 gene, results from a C to T substitution at nucleotide position 1871. The threonine at codon 624 is replaced by isoleucine, an amino acid with similar properties. This amino acid position is conserved. In addition, the in silico prediction for this alteration is inconclusive. Based on the available evidence, the clinical significance of this variant remains unclear.